The following is an entry in ClinVar:

ClinVar aggregate classification (germline): Benign/Likely benign. Review status: criteria provided, multiple submitters, no conflicts (2 of 4 stars). 6 submissions from 6 submitters: Benign (2); Likely benign (4). Last evaluated 2025-05-27.

Conditions:
Hereditary cancer-predisposing syndrome. Also called: Hereditary Cancer Syndrome; Neoplastic Syndromes, Hereditary; Tumor predisposition; Hereditary neoplastic syndrome. Identifiers: Orphanet 140162, MedGen C0027672, MeSH D009386, MONDO:0015356.
Tuberous sclerosis syndrome (TSC). Also called: Tuberous sclerosis; Tuberous Sclerosis Complex. Identifiers: Orphanet 805, MedGen C0041341, MONDO:0001734.
Tuberous sclerosis 2 (TSC2). Identifiers: Orphanet 805, MedGen C1860707, MONDO:0013199, OMIM 613254.

Allele frequency attached by ClinVar (database versions not stated): gnomAD exomes 0.00001; TOPMed 0.00001.
gnomAD v4.1: 5 of 1,613,316 alleles (0.00031%); highest among the groups gnomAD compares: Non-Finnish European, 0.00042%; no homozygotes.

Submissions (6):

Myriad Genetics, Inc.
Classification: Benign for Tuberous sclerosis 2. Last evaluated: 2025-05-27. Review status: criteria provided, single submitter. Criteria: Myriad Autosomal Dominant, Autosomal Recessive and X-Linked Classification Criteria (2023). Collection method: clinical testing. Allele origin: unknown.
Comment: This variant is considered benign. This variant is a silent/synonymous amino acid change and it is not expected to impact splicing.

Labcorp Genetics (formerly Invitae), Labcorp
Classification: Likely benign for Tuberous sclerosis 2. Last evaluated: 2024-10-07. Review status: criteria provided, single submitter. Criteria: Invitae Variant Classification Sherloc (09022015). Collection method: clinical testing. Allele origin: germline.

All of Us Research Program, National Institutes of Health
Classification: Likely benign for Tuberous sclerosis syndrome. Last evaluated: 2024-02-22. Review status: criteria provided, single submitter. Criteria: ACMG Guidelines, 2015. Collection method: clinical testing. Allele origin: germline. Inheritance: Autosomal dominant inheritance. Observed: 1 variant allele, 1 heterozygote.
Comment: This study involves interpretation of variants in research participants for the purpose of population health screening. Participant phenotype was not available at the time of variant classification. Additional details can be found in publication PMID: 35346344, PMCID: PMC8962531

Color Diagnostics, LLC DBA Color Health
Classification: Likely benign for Tuberous sclerosis syndrome. Last evaluated: 2024-02-14. Review status: criteria provided, single submitter. Criteria: ACMG Guidelines, 2015. Collection method: clinical testing. Allele origin: germline.

Genome-Nilou Lab
Classification: Benign for Tuberous sclerosis 2. Last evaluated: 2021-11-07. Review status: criteria provided, single submitter. Criteria: ACMG Guidelines, 2015. Collection method: clinical testing. Allele origin: germline. Affected: no.

Ambry Genetics
Classification: Likely benign for Hereditary cancer-predisposing syndrome. Last evaluated: 2015-05-21. Review status: criteria provided, single submitter. Criteria: Ambry Variant Classification Scheme 2023. Collection method: clinical testing. Allele origin: germline.

NM_000548.5(TSC2):c.2820C>G (p.Leu940=)

Gene: TSC2 (TSC complex subunit 2; plus strand). Cytogenetic location: 16p13.3.
Variant type: single nucleotide variant.
Coding change: c.2820C>G on transcript NM_000548.5 (MANE Select); coding-DNA position 2820, C replaced by G.
Protein change: p.Leu940=; no amino-acid change (leucine 940 retained).
Molecular consequence: synonymous variant.
Genome position (GRCh38, 1-based): chr16:2,076,568, C>G. VCF-style: chr16-2076568-C-G. GRCh37 (hg19) VCF-style: chr16-2126569-C-G.
Other names: c.2820C>G, p.Leu940= (NM_001077183.3, NM_001114382.3, NM_001363528.2 and 3 more transcripts); c.2709C>G, p.Leu903= (NM_001318827.2); c.2673C>G, p.Leu891= (NM_001318829.2); c.2220C>G, p.Leu740= (NM_001318831.2); c.2853C>G, p.Leu951= (NM_001318832.2).
Identifiers: ClinVar variation 232013 (VCV000232013.21), dbSNP rs876659493, ClinGen allele CA10579888.